The following is an entry in ClinVar:

ClinVar aggregate classification (germline): Pathogenic (1 of 4 stars; one submission).

Submission:

GeneDx
Classification: Pathogenic. Last evaluated: 2023-06-26. Review status: criteria provided, single submitter. Criteria: GeneDx Variant Classification Process June 2021. Collection method: clinical testing. Allele origin: germline. Affected: yes.
Comment: Nonsense variant predicted to result in protein truncation or nonsense mediated decay in a gene for which loss of function is a known mechanism of disease; Not observed at significant frequency in large population cohorts (gnomAD); Has not been previously published as pathogenic or benign to our knowledge

NM_001148.6(ANK2):c.1036G>T (p.Glu346Ter)

Gene: ANK2 (ankyrin 2; plus strand). Cytogenetic location: 4q26.
Variant type: single nucleotide variant.
Coding change: c.1036G>T on transcript NM_001148.6 (MANE Select); coding-DNA position 1036, G replaced by T.
Protein change: p.Glu346Ter; replaces glutamic acid 346 with a stop codon.
Molecular consequence: nonsense.
Genome position (GRCh38, 1-based): chr4:113,255,780, G>T. VCF-style: chr4-113255780-G-T. GRCh37 (hg19) VCF-style: chr4-114176936-G-T.
Other names: c.973G>T, p.Glu325Ter (NM_001127493.3, NM_001354239.2, NM_001354243.2 and 14 more transcripts); c.1036G>T, p.Glu346Ter (NM_001354225.2, NM_001354228.2, NM_001354232.2 and 9 more transcripts); c.1081G>T, p.Glu361Ter (NM_001354230.2, NM_001354231.2, NM_001354237.2 and 5 more transcripts); c.949G>T, p.Glu317Ter (NM_001354249.2, NM_001354260.2, NM_001354264.2 and 16 more transcripts); c.994G>T, p.Glu332Ter (NM_001354261.2, NM_001386147.1, NM_001386160.1); c.1024G>T, p.Glu342Ter (NM_001354269.3, NM_001386148.2, NM_001386186.2); c.1087G>T, p.Glu363Ter (NM_001386174.1); c.1063G>T, p.Glu355Ter (NM_001386175.1); and 1 more; short protein forms E317*, E325*, E332*, E334*, E342*, E346*, E355*, E361*.
Identifiers: ClinVar variation 2506786 (VCV002506786.2), dbSNP rs2492660352, ClinGen allele CA357926404.